The following is an entry in ClinVar:

ClinVar aggregate classification (germline): Conflicting classifications of pathogenicity. Review status: criteria provided, conflicting classifications (1 of 4 stars). 4 submissions from 4 submitters: Uncertain significance (3); Likely benign (1). Last evaluated 2025-12-29.

Conditions:
Inborn genetic diseases. Identifiers: MedGen C0950123, MeSH D030342.
Hereditary hyperekplexia. Identifiers: Orphanet 3197, MedGen C4084968, MONDO:0021022.
Hyperekplexia 1 (STHE). Also called: STARTLE DISEASE, FAMILIAL; STIFF-BABY SYNDROME; STIFF-MAN SYNDROME, CONGENITAL; STIFF-PERSON SYNDROME, CONGENITAL; HYPEREKPLEXIA 1, AUTOSOMAL DOMINANT; HYPEREKPLEXIA 1, AUTOSOMAL RECESSIVE. Identifiers: Orphanet 3197, MedGen C4551954, MONDO:0007868, OMIM 149400.

Allele frequency attached by ClinVar (database versions not stated): gnomAD exomes 0.00006; gnomAD 0.00008 and 0.00009; ExAC 0.00007; TOPMed 0.00011; ESP Exome Variant Server 0.00008.
gnomAD v4.1: 145 of 1,588,070 alleles (0.0091%); highest among the groups gnomAD compares: Non-Finnish European, 0.012%; no homozygotes.

Submissions (4):

Labcorp Genetics (formerly Invitae), Labcorp
Classification: Uncertain significance for Hereditary hyperekplexia. Last evaluated: 2025-12-29. Review status: criteria provided, single submitter. Criteria: Invitae Variant Classification Sherloc (09022015). Collection method: clinical testing. Allele origin: germline.
Comment: This sequence change replaces phenylalanine, which is neutral and non-polar, with serine, which is neutral and polar, at codon 17 of the GLRA1 protein (p.Phe17Ser). This variant is present in population databases (rs376426309, gnomAD 0.009%). This variant has not been reported in the literature in individuals affected with GLRA1-related conditions. ClinVar contains an entry for this variant (Variation ID: 464189). Invitae Evidence Modeling of protein sequence and biophysical properties (such as structural, functional, and spatial information, amino acid conservation, physicochemical variation, residue mobility, and thermodynamic stability) indicates that this missense variant is not expected to disrupt GLRA1 protein function with a negative predictive value of 95%. In summary, the available evidence is currently insufficient to determine the role of this variant in disease. Therefore, it has been classified as a Variant of Uncertain Significance.

Ambry Genetics
Classification: Uncertain significance for Inborn genetic diseases. Last evaluated: 2025-12-16. Review status: criteria provided, single submitter. Criteria: Ambry Variant Classification Scheme 2023. Collection method: clinical testing. Allele origin: germline.

Fulgent Genetics
Classification: Uncertain significance for Hyperekplexia 1. Last evaluated: 2018-10-31. Review status: criteria provided, single submitter. Criteria: ACMG Guidelines, 2015. Collection method: clinical testing. Allele origin: unknown.

Illumina Laboratory Services, Illumina
Classification: Likely benign for Hyperekplexia 1. Last evaluated: 2018-01-12. Review status: criteria provided, single submitter. Criteria: ICSL Variant Classification Criteria 13 December 2019. Collection method: clinical testing. Allele origin: germline.
Comment: This variant was observed in the ICSL laboratory as part of a predisposition screen in an ostensibly healthy population. It had not been previously curated by ICSL or reported in the Human Gene Mutation Database (HGMD: prior to June 1st, 2018), and was therefore a candidate for classification through an automated scoring system. Utilizing variant allele frequency, disease prevalence and penetrance estimates, and inheritance mode, an automated score was calculated to assess if this variant is too frequent to cause the disease. Based on the score and internal cut-off values, a variant classified as likely benign is not then subjected to further curation. The score for this variant resulted in a classification of likely benign for this disease.

NM_000171.4(GLRA1):c.50T>C (p.Phe17Ser)

Gene: GLRA1 (glycine receptor alpha 1; minus strand). Cytogenetic location: 5q33.1.
Variant type: single nucleotide variant.
Coding change: c.50T>C on transcript NM_000171.4 (MANE Select); coding-DNA position 50, T replaced by C.
Protein change: p.Phe17Ser; replaces phenylalanine 17 with serine.
Molecular consequence: missense variant. On other transcripts: 5 prime UTR variant (1).
Genome position (GRCh38, 1-based): chr5:151,924,500, A>G on the plus strand (T>C on the coding strand, the complement: GLRA1 is on the minus strand). VCF-style: chr5-151924500-A-G. GRCh37 (hg19) VCF-style: chr5-151304061-A-G.
Other names: c.50T>C, p.Phe17Ser (NM_001146040.2); c.-72T>C (NM_001292000.2); short protein forms F17S.
Identifiers: ClinVar variation 464189 (VCV000464189.15), dbSNP rs376426309, ClinGen allele CA3523804.